The following is an entry in ClinVar:

ClinVar aggregate classification (germline): Likely pathogenic (1 of 4 stars; one submission).

Allele frequency attached by ClinVar (database versions not stated): gnomAD exomes below 0.00001.
gnomAD v4.1: 1 of 1,613,846 alleles (0.000062%); highest among the groups gnomAD compares: Non-Finnish European, 0.000085%; no homozygotes.

Submission:

Labcorp Genetics (formerly Invitae), Labcorp
Classification: Likely pathogenic. Last evaluated: 2023-07-25. Review status: criteria provided, single submitter. Criteria: Invitae Variant Classification Sherloc (09022015). Collection method: clinical testing. Allele origin: germline.
Comment: Algorithms developed to predict the effect of sequence changes on RNA splicing suggest that this variant may disrupt the consensus splice site. In summary, the currently available evidence indicates that the variant is pathogenic, but additional data are needed to prove that conclusively. Therefore, this variant has been classified as Likely Pathogenic. This variant has not been reported in the literature in individuals affected with SLC4A11-related conditions. This sequence change affects an acceptor splice site in intron 7 of the SLC4A11 gene. It is expected to disrupt RNA splicing. Variants that disrupt the donor or acceptor splice site typically lead to a loss of protein function (PMID: 16199547), and loss-of-function variants in SLC4A11 are known to be pathogenic (PMID: 17220209, 17679935). This variant is not present in population databases (gnomAD no frequency).

Literature cited by the submitters: PubMed 16199547; PubMed 17220209; PubMed 17679935.

NM_001174089.2(SLC4A11):c.949-2A>C

Gene: SLC4A11 (solute carrier family 4 member 11; minus strand). Cytogenetic location: 20p13.
Variant type: single nucleotide variant.
Coding change: c.949-2A>C on transcript NM_001174089.2 (MANE Select); the canonical splice acceptor site of the intron before coding-DNA position 949, A replaced by C.
Molecular consequence: splice acceptor variant.
Genome position (GRCh38, 1-based): chr20:3,231,244, T>G on the plus strand (A>C on the coding strand, the complement: SLC4A11 is on the minus strand). VCF-style: chr20-3231244-T-G. GRCh37 (hg19) VCF-style: chr20-3211890-T-G.
Other names: c.892-2A>C (NM_001400277.1, NM_001400278.1, NM_001400279.1); c.949-2A>C (NM_001363745.2); c.1078-2A>C (NM_001400280.1, NM_001174090.2); c.997-2A>C (NM_032034.4).
Identifiers: ClinVar variation 2746501 (VCV002746501.3), dbSNP rs2122554995, ClinGen allele CA408089682.